The following is an entry in ClinVar:

NM_022552.5(DNMT3A):c.1827C>T (p.Phe609=)

Gene: DNMT3A (DNA methyltransferase 3 alpha; minus strand). Cytogenetic location: 2p23.3.
Variant type: single nucleotide variant.
Coding change: c.1827C>T on transcript NM_022552.5 (MANE Select); coding-DNA position 1827, C replaced by T.
Protein change: p.Phe609=; no amino-acid change (phenylalanine 609 retained).
Molecular consequence: synonymous variant. On other transcripts: non-coding transcript variant (1).
Genome position (GRCh38, 1-based): chr2:25,244,179, G>A on the plus strand (C>T on the coding strand, the complement: DNMT3A is on the minus strand). VCF-style: chr2-25244179-G-A. GRCh37 (hg19) VCF-style: chr2-25467048-G-A.
Other names: c.1827C>T (NM_022552.3); c.1371C>T, p.Phe457= (NM_001320893.1); c.1158C>T, p.Phe386= (NM_001375819.1); c.1260C>T, p.Phe420= (NM_153759.3); c.1827C>T, p.Phe609= (NM_175629.2).
Identifiers: ClinVar variation 2039513 (VCV002039513.19), dbSNP rs147260180, ClinGen allele CA1555865.
Genomic context (GRCh38, chr2:25,244,179, plus strand): 5'-GGGAGCTCGAGACCGCGCCCCAGGCCCAGCACTCACAAATTCCTGGTCGTGGTTATTAGC[G>A]AAGAACATCTGGAGCCGGGAGGGCCAGTCCTCTCGCCGCCGCAGCAGCCCGTAGGTACCC-3'
Protein context (NP_072046.2, residues 599-619): EDWPSRLQMF[Phe609=]ANNHDQEFDP

ClinVar aggregate classification (germline): Likely benign. Review status: criteria provided, multiple submitters, no conflicts (2 of 4 stars). 4 submissions from 4 submitters: Likely benign (4). Last evaluated 2025-07-29.

Conditions:
Inborn genetic diseases. Identifiers: MedGen C0950123, MeSH D030342.
Tatton-Brown-Rahman overgrowth syndrome. Also called: Tall stature-intellectual disability-facial dysmorphism syndrome; Tatton-Brown-Rahman syndrome. Identifiers: Orphanet 404443, MedGen C4014545, MONDO:0014382, OMIM 615879.

Allele frequency attached by ClinVar (database versions not stated): gnomAD 0.00006; ExAC 0.00008; TOPMed 0.00009; gnomAD exomes 0.00011; ESP Exome Variant Server 0.00015.
gnomAD v4.1: 179 of 1,613,810 alleles (0.011%); highest among the groups gnomAD compares: South Asian, 0.02%; no homozygotes.

Submissions (4):

Labcorp Genetics (formerly Invitae), Labcorp
Classification: Likely benign for Tatton-Brown-Rahman overgrowth syndrome. Last evaluated: 2025-07-29. Review status: criteria provided, single submitter. Criteria: Invitae Variant Classification Sherloc (09022015). Collection method: clinical testing. Allele origin: germline.

CeGaT Center for Human Genetics Tuebingen
Classification: Likely benign. Last evaluated: 2025-01-01. Review status: criteria provided, single submitter. Criteria: CeGaT Center For Human Genetics Tuebingen Variant Classification Criteria Version 2. Collection method: clinical testing. Allele origin: germline. Affected: yes. Observed: 1 variant allele.
Comment: DNMT3A: BP4, BP7

Ambry Genetics
Classification: Likely benign for Inborn genetic diseases. Last evaluated: 2024-11-28. Review status: criteria provided, single submitter. Criteria: Ambry Variant Classification Scheme 2023. Collection method: clinical testing. Allele origin: germline.

Blueprint Genetics
Classification: Likely benign. Last evaluated: 2022-06-21. Review status: criteria provided, single submitter. Criteria: ACMG Guidelines, 2015. Collection method: clinical testing. Allele origin: germline.